The following is an entry in ClinVar:

ClinVar aggregate classification (germline): Uncertain significance (1 of 4 stars; one submission).

Conditions:
Seizures, benign familial infantile, 3 (BFIS3). Also called: Familial neonatal seizures; CONVULSIONS, BENIGN FAMILIAL INFANTILE, 3. Identifiers: Orphanet 140927, Orphanet 306, MedGen C1843140, MONDO:0011904, OMIM 607745.
Developmental and epileptic encephalopathy, 11 (DEE11). Also called: Early infantile epileptic encephalopathy 11. Identifiers: Orphanet 1934, MedGen C3150987, MONDO:0013388, OMIM 613721.

Allele frequency attached by ClinVar (database versions not stated): ExAC 0.00001; gnomAD exomes 0.00002; gnomAD 0.00003.
gnomAD v4.1: 32 of 1,614,130 alleles (0.002%); highest among the groups gnomAD compares: Non-Finnish European, 0.00042%; 1 homozygote.

Submission:

Labcorp Genetics (formerly Invitae), Labcorp
Classification: Uncertain significance for Seizures, benign familial infantile, 3; Developmental and epileptic encephalopathy, 11. Last evaluated: 2026-01-26. Review status: criteria provided, single submitter. Criteria: Invitae Variant Classification Sherloc (09022015). Collection method: clinical testing. Allele origin: germline.
Comment: This sequence change replaces arginine, which is basic and polar, with tryptophan, which is neutral and slightly polar, at codon 620 of the SCN2A protein (p.Arg620Trp). This variant is present in population databases (rs762680220, gnomAD 0.02%). This missense change has been observed in individual(s) with SCN2A-related conditions (PMID: 38756210). ClinVar contains an entry for this variant (Variation ID: 1391822). Invitae Evidence Modeling of protein sequence and biophysical properties (such as structural, functional, and spatial information, amino acid conservation, physicochemical variation, residue mobility, and thermodynamic stability) indicates that this missense variant is expected to disrupt SCN2A protein function with a positive predictive value of 95%. In summary, the available evidence is currently insufficient to determine the role of this variant in disease. Therefore, it has been classified as a Variant of Uncertain Significance.

Literature cited by the submitters: PubMed 38756210.

NM_001040142.2(SCN2A):c.1858C>T (p.Arg620Trp)

Gene: SCN2A (sodium voltage-gated channel alpha subunit 2; plus strand). Cytogenetic location: 2q24.3.
Variant type: single nucleotide variant.
Coding change: c.1858C>T on transcript NM_001040142.2 (MANE Select); coding-DNA position 1858, C replaced by T.
Protein change: p.Arg620Trp; replaces arginine 620 with tryptophan.
Molecular consequence: missense variant.
Genome position (GRCh38, 1-based): chr2:165,323,342, C>T. VCF-style: chr2-165323342-C-T. GRCh37 (hg19) VCF-style: chr2-166179852-C-T.
Other names: c.1858C>T, p.Arg620Trp (NM_001040143.2, NM_001371246.1, NM_001371247.1 and 1 more transcripts); short protein forms R620W.
Identifiers: ClinVar variation 1391822 (VCV001391822.8), dbSNP rs762680220, ClinGen allele CA1939880.